The following is an entry in ClinVar:

ClinVar aggregate classification (germline): Uncertain significance (1 of 4 stars; one submission).

Conditions:
Fanconi anemia (FA). Also called: Fanconi's anemia. Identifiers: Orphanet 84, MedGen C0015625, MeSH D005199, MONDO:0019391.

Submission:

Labcorp Genetics (formerly Invitae), Labcorp
Classification: Uncertain significance for Fanconi anemia. Last evaluated: 2021-11-01. Review status: criteria provided, single submitter. Criteria: Invitae Variant Classification Sherloc (09022015). Collection method: clinical testing. Allele origin: germline.
Comment: Advanced modeling of protein sequence and biophysical properties (such as structural, functional, and spatial information, amino acid conservation, physicochemical variation, residue mobility, and thermodynamic stability) performed at Invitae indicates that this missense variant is not expected to disrupt FANCA protein function. In summary, the available evidence is currently insufficient to determine the role of this variant in disease. Therefore, it has been classified as a Variant of Uncertain Significance. This sequence change replaces glycine, which is neutral and non-polar, with valine, which is neutral and non-polar, at codon 1426 of the FANCA protein (p.Gly1426Val). This variant is not present in population databases (gnomAD no frequency). This variant has not been reported in the literature in individuals affected with FANCA-related conditions.

NM_000135.4(FANCA):c.4277G>T (p.Gly1426Val)

Genes: ZNF276 (zinc finger protein 276; plus strand), FANCA (FA complementation group A; minus strand). Cytogenetic location: 16q24.3.
Variant type: single nucleotide variant.
Coding change: c.4277G>T on transcript NM_000135.4 (MANE Select); coding-DNA position 4277, G replaced by T.
Protein change: p.Gly1426Val; replaces glycine 1426 with valine.
Molecular consequence: missense variant. On other transcripts: 3 prime UTR variant (3), non-coding transcript variant (4).
Genome position (GRCh38, 1-based): chr16:89,738,692, C>A on the plus strand (G>T on the coding strand, the complement: FANCA is on the minus strand). VCF-style: chr16-89738692-C-A. GRCh37 (hg19) VCF-style: chr16-89805100-C-A.
Other names: c.*6G>T (NM_001286167.3); c.*446C>A (NM_001113525.2, NM_152287.4); short protein forms G1426V.
Identifiers: ClinVar variation 1494392 (VCV001494392.6), dbSNP rs1350768758, ClinGen allele CA397483131.